The following is an entry in ClinVar:

NM_001351132.2(PEX5):c.1799C>G (p.Ser600Trp)

Gene: PEX5 (peroxisomal biogenesis factor 5; plus strand). Cytogenetic location: 12p13.31.
Variant type: single nucleotide variant.
Coding change: c.1799C>G on transcript NM_001351132.2 (MANE Select); coding-DNA position 1799, C replaced by G.
Protein change: p.Ser600Trp; replaces serine 600 with tryptophan.
Molecular consequence: missense variant.
Genome position (GRCh38, 1-based): chr12:7,210,102, C>G. VCF-style: chr12-7210102-C-G. GRCh37 (hg19) VCF-style: chr12-7362698-C-G.
Other names: c.1775C>G, p.Ser592Trp (NM_000319.5); c.1844C>G, p.Ser615Trp (NM_001131023.2); c.1688C>G, p.Ser563Trp (NM_001131024.2, NM_001351124.3, NM_001351126.2 and 7 more transcripts); c.1799C>G, p.Ser600Trp (NM_001131025.2, NM_001131026.2, NM_001300789.3 and 4 more transcripts); c.1733C>G, p.Ser578Trp (NM_001351135.3, NM_001351138.2); c.1790C>G, p.Ser597Trp (NM_001351136.2); c.1664C>G, p.Ser555Trp (NM_001351139.2, NM_001351140.2, NM_001374649.2); short protein forms S555W, S563W, S578W, S592W, S597W, S600W, S615W.
Identifiers: ClinVar variation 3896362 (VCV003896362.2).
Genomic context (GRCh38, chr12:7,210,102, plus strand): 5'-TGGAGGCCCTGAACATGCAGAGGAAAAGCCGGGGCCCCCGGGGTGAAGGAGGTGCCATGT[C>G]GGAGAACATCTGGAGCACCCTGCGTTTGGCATTGTCTATGTTAGGCCAGAGCGATGCCTA-3'
Protein context (NP_001338061.1, residues 590-610): RGPRGEGGAM[Ser600Trp]ENIWSTLRLA

ClinVar aggregate classification (germline): Likely pathogenic (1 of 4 stars; one submission).

Conditions:
Peroxisome biogenesis disorder. Identifiers: Orphanet 79189, MedGen C1832200, MONDO:0019234. Disease mechanism: loss of function.

Submission:

Women's Health and Genetics/Laboratory Corporation of America, LabCorp
Classification: Likely pathogenic for Peroxisome biogenesis disorder. Last evaluated: 2025-04-09. Review status: criteria provided, single submitter. Criteria: LabCorp Variant Classification Summary - May 2015. Collection method: clinical testing. Allele origin: germline.
Comment: Variant summary: PEX5 c.1799C>G (p.Ser600Trp) results in a non-conservative amino acid change in the encoded protein sequence. Five of five in-silico tools predict a damaging effect of the variant on protein function. The variant was absent in 251350 control chromosomes. c.1799C>G has been reported in the literature in the homozygous state in individuals affected with Zellweger Syndrome (Ebberink_2009, Shimozawa_1999). These data indicate that the variant is likely to be associated with disease. At least two publications report experimental evidence evaluating an impact on protein function. The most pronounced variant effect results in ~28% of normal activity (Shimoawa_1999, Williams_2011). The following publications have been ascertained in the context of this evaluation (PMID: 18712838, 10462504, 21375735). ClinVar contains an entry for this variant (Variation ID: 420777). Based on the evidence outlined above, the variant was classified as likely pathogenic.

Literature cited by the submitters: PubMed 18712838; PubMed 10462504; PubMed 21375735.